The following is an entry in ClinVar:

ClinVar aggregate classification (germline): Uncertain significance (1 of 4 stars; one submission).

Conditions:
HMGCL-related disorder. Also called: HMGCL-related condition.

Submission:

PreventionGenetics, part of Exact Sciences
Classification: Uncertain significance for HMGCL-related condition. Last evaluated: 2022-11-10. Review status: criteria provided, single submitter. Criteria: ACMG Guidelines, 2015. Collection method: clinical testing. Allele origin: germline.
Comment: The HMGCL c.526_549del24 variant is predicted to result in an in-frame deletion (p.Tyr176_Ala183del). To our knowledge, this variant has not been reported in the literature or in a large population database, indicating this variant is rare. At this time, the clinical significance of this variant is uncertain due to the absence of conclusive functional and genetic evidence.

NM_000191.3(HMGCL):c.526_549del (p.Tyr176_Ala183del)

Gene: HMGCL (3-hydroxy-3-methylglutaryl-CoA lyase; minus strand). Cytogenetic location: 1p36.11.
Variant type: Deletion.
Coding change: c.526_549del on transcript NM_000191.3 (MANE Select); coding-DNA positions 526 to 549, 24 bases deleted (TATGAAGGGAAGATCTCCCCAGCT).
Protein change: p.Tyr176_Ala183del.
Molecular consequence: inframe deletion. On other transcripts: intron variant (1).
Genome position (GRCh38, 1-based): chr1:23,810,748-23,810,771, AGCTGGGGAGATCTTCCCTTCATA deleted on the plus strand (TATGAAGGGAAGATCTCCCCAGCT on the coding strand, the reverse complement: HMGCL is on the minus strand); deleting any 24 consecutive bases within chr1:23,810,748-23,810,773 gives the same sequence; the c. name uses the placement nearest the transcript's 3' end. VCF-style (leftmost placement, unchanged base first): chr1-23810747-TAGCTGGGGAGATCTTCCCTTCATA-T. GRCh37 (hg19) VCF-style: chr1-24137237-TAGCTGGGGAGATCTTCCCTTCATA-T.
Other names: c.349-2448_349-2425del (NM_001166059.2).
Identifiers: ClinVar variation 2635616 (VCV002635616.1), dbSNP rs2521419311, ClinGen allele CA2695197988.